The following is an entry in ClinVar:

ClinVar aggregate classification (germline): Uncertain significance. Review status: criteria provided, multiple submitters, no conflicts (2 of 4 stars). 2 submissions from 2 submitters: Uncertain significance (2). Last evaluated 2024-10-07.

Conditions:
Inborn genetic diseases. Identifiers: MedGen C0950123, MeSH D030342.
Leber congenital amaurosis 1 (LCA1). Also called: AMAUROSIS CONGENITA OF LEBER I; RETINAL BLINDNESS, CONGENITAL; Congenital absence of the rods and cones; Leber's congenital tapetoretinal degeneration; Leber's congenital tapetoretinal dysplasia. Identifiers: Orphanet 65, MedGen C2931258, MONDO:0008764, OMIM 204000.
Cone-rod dystrophy 6 (CORD6). Also called: RETINAL CONE DYSTROPHY 2; Cone dystrophy progressive. Identifiers: Orphanet 1872, MedGen C1866293, MONDO:0011143, OMIM 601777.

Allele frequency attached by ClinVar (database versions not stated): TOPMed below 0.00001.

Submissions (2):

Labcorp Genetics (formerly Invitae), Labcorp
Classification: Uncertain significance for Leber congenital amaurosis 1; Cone-rod dystrophy 6. Last evaluated: 2024-10-07. Review status: criteria provided, single submitter. Criteria: Invitae Variant Classification Sherloc (09022015). Collection method: clinical testing. Allele origin: germline.
Comment: This sequence change replaces glutamic acid, which is acidic and polar, with lysine, which is basic and polar, at codon 141 of the GUCY2D protein (p.Glu141Lys). The frequency data for this variant in the population databases is considered unreliable, as metrics indicate poor data quality at this position in the gnomAD database. This variant has not been reported in the literature in individuals affected with GUCY2D-related conditions. Invitae Evidence Modeling of protein sequence and biophysical properties (such as structural, functional, and spatial information, amino acid conservation, physicochemical variation, residue mobility, and thermodynamic stability) indicates that this missense variant is not expected to disrupt GUCY2D protein function with a negative predictive value of 80%. In summary, the available evidence is currently insufficient to determine the role of this variant in disease. Therefore, it has been classified as a Variant of Uncertain Significance.

Ambry Genetics
Classification: Uncertain significance for Inborn genetic diseases. Last evaluated: 2023-11-14. Review status: criteria provided, single submitter. Criteria: Ambry Variant Classification Scheme 2023. Collection method: clinical testing. Allele origin: germline.

NM_000180.4(GUCY2D):c.421G>A (p.Glu141Lys)

Gene: GUCY2D (guanylate cyclase 2D, retinal; plus strand). Cytogenetic location: 17p13.1.
Variant type: single nucleotide variant.
Coding change: c.421G>A on transcript NM_000180.4 (MANE Select); coding-DNA position 421, G replaced by A.
Protein change: p.Glu141Lys; replaces glutamic acid 141 with lysine.
Molecular consequence: missense variant.
Genome position (GRCh38, 1-based): chr17:8,003,468, G>A. VCF-style: chr17-8003468-G-A. GRCh37 (hg19) VCF-style: chr17-7906786-G-A.
Other names: short protein forms E141K.
Identifiers: ClinVar variation 3103310 (VCV003103310.3), dbSNP rs1202782880, ClinGen allele CA397943497.
Genomic context (GRCh38, chr17:8,003,468, plus strand): 5'-GTGTCGGGCCTCGTGGGTCCGGTGAACCCTGCGGCCTGCCGGCCAGCCGAGCTGCTCGCC[G>A]AAGAAGCCGGGATCGCGCTGGTGCCCTGGGGCTGCCCCTGGACGCAGGCGGAGGGCACCA-3'
Protein context (NP_000171.1, residues 131-151): AACRPAELLA[Glu141Lys]EAGIALVPWG